The following is an entry in ClinVar:

ClinVar aggregate classification (germline): Uncertain significance (1 of 4 stars; one submission).

gnomAD v4.1: 1 of 1,612,394 alleles (0.000062%); no homozygotes.

Submission:

Ambry Genetics
Classification: Uncertain significance. Last evaluated: 2025-05-08. Review status: criteria provided, single submitter. Criteria: Ambry Variant Classification Scheme 2023. Collection method: clinical testing. Allele origin: germline.
Comment: The p.R1541K variant (also known as c.4622G>A), located in coding exon 19 of the WNK2 gene, results from a G to A substitution at nucleotide position 4622. The arginine at codon 1541 is replaced by lysine, an amino acid with highly similar properties. This amino acid position is conserved. In addition, this alteration is predicted to be tolerated by in silico analysis. Based on the available evidence, the clinical significance of this variant remains unclear.

NM_006648.4(WNK2):c.4622G>A (p.Arg1541Lys)

Gene: WNK2 (WNK lysine deficient protein kinase 2; plus strand). Cytogenetic location: 9q22.31.
Variant type: single nucleotide variant.
Coding change: c.4622G>A on transcript NM_006648.4 (MANE Select); coding-DNA position 4622, G replaced by A.
Protein change: p.Arg1541Lys; replaces arginine 1541 with lysine.
Molecular consequence: missense variant.
Genome position (GRCh38, 1-based): chr9:93,289,376, G>A. VCF-style: chr9-93289376-G-A. GRCh37 (hg19) VCF-style: chr9-96051658-G-A.
Other names: c.4733G>A, p.Arg1578Lys (NM_001282394.3); short protein forms R1541K, R1578K.
Identifiers: ClinVar variation 3982007 (VCV003982007.1).